The following is an entry in ClinVar:

ClinVar aggregate classification (germline): Uncertain significance (1 of 4 stars; one submission).

Conditions:
Cardiovascular phenotype. Identifiers: MedGen CN230736.

gnomAD v4.1: 7 of 1,548,254 alleles (0.00045%); highest among the groups gnomAD compares: Non-Finnish European, 0.00061%; no homozygotes.

Submission:

Ambry Genetics
Classification: Uncertain significance for Cardiovascular phenotype. Last evaluated: 2026-07-28. Review status: criteria provided, single submitter. Criteria: Ambry Variant Classification Scheme 2023. Collection method: clinical testing. Allele origin: germline.
Comment: The p.D2883G variant (also known as c.8648A>G), located in coding exon 2 of the ZNF469 gene, results from an A to G substitution at nucleotide position 8648. The aspartic acid at codon 2883 is replaced by glycine, an amino acid with similar properties. This amino acid position is conserved. In addition, this alteration is predicted to be tolerated by in silico analysis. Based on the available evidence, the clinical significance of this variant remains unclear.

NM_001367624.2(ZNF469):c.8732A>G (p.Asp2911Gly)

Gene: ZNF469 (zinc finger protein 469; plus strand). Cytogenetic location: 16q24.2.
Variant type: single nucleotide variant.
Coding change: c.8732A>G on transcript NM_001367624.2 (MANE Select); coding-DNA position 8732, A replaced by G.
Protein change: p.Asp2911Gly; replaces aspartic acid 2911 with glycine.
Molecular consequence: missense variant.
Genome position (GRCh38, 1-based): chr16:88,436,202, A>G. VCF-style: chr16-88436202-A-G. GRCh37 (hg19) VCF-style: chr16-88502610-A-G.
Other names: NM_001127464.1:c.8648A>G; short protein forms D2911G.
Identifiers: ClinVar variation 5032238 (VCV005032238.1).